The following is an entry in ClinVar:

ClinVar aggregate classification (germline): Pathogenic (1 of 4 stars; one submission).

Conditions:
High molecular weight kininogen deficiency. Also called: Reduced kininogen activity; Congenital high-molecular-weight kininogen deficiency; FITZGERALD TRAIT; HMWK DEFICIENCY. Identifiers: Orphanet 483, MedGen C0272340, MONDO:0009234, OMIM 228960, HP:0005527.

Allele frequency attached by ClinVar (database versions not stated): gnomAD exomes 0.00001; ExAC 0.00002; TOPMed 0.00003; gnomAD 0.00005; ESP Exome Variant Server 0.00008.
gnomAD v4.1: 15 of 1,610,992 alleles (0.00093%); highest among the groups gnomAD compares: African/African-American, 0.012%; no homozygotes.

Submission:

Institute for Clinical Chemistry and Laboratory Medicine, University Medical Center Mainz
Classification: Pathogenic for High molecular weight kininogen deficiency. Last evaluated: 2022-12-06. Review status: criteria provided, single submitter. Criteria: ACMG Guidelines, 2015. Collection method: clinical testing. Allele origin: germline. Inheritance: Autosomal recessive inheritance. Affected: yes. Observed: 1 compound heterozygote.
Comment: Therefore, the previously observed low PK level is most likely secondary to HK deficiency, as already described (e.g.: PMID: 12576314, PMID: 36700498). The canonical splice site variant c.1038+1G>A has a MAF of ~0.001% (dbSNP) and probably causes both, HK and low-molecular-weight kininogen deficiency. In addition, the variant was also found in another HK deficient family unrelated to our case (in compound heterozygosity with c.718C>T (p.Arg240*); HK:C <1; DOI 10.1007/3-540-27022-1_56). We classified the variant as pathogenic (ACMG guideline).

Literature cited by the submitters: PubMed 32202057; PubMed 36700498.

NM_001102416.3(KNG1):c.1038+1G>A

Gene: KNG1 (kininogen 1; plus strand). Cytogenetic location: 3q27.3.
Variant type: single nucleotide variant.
Coding change: c.1038+1G>A on transcript NM_001102416.3 (MANE Select); the canonical splice donor site of the intron after coding-DNA position 1038, G replaced by A.
Molecular consequence: splice donor variant.
Genome position (GRCh38, 1-based): chr3:186,739,207, G>A. VCF-style: chr3-186739207-G-A. GRCh37 (hg19) VCF-style: chr3-186456996-G-A.
Other names: c.1038+1G>A (NM_000893.4); c.930+1G>A (NM_001166451.2).
Identifiers: ClinVar variation 2578036 (VCV002578036.2), dbSNP rs377594184, ClinGen allele CA2746341.